The following is an entry in ClinVar:

ClinVar aggregate classification (germline): Uncertain significance. Review status: criteria provided, multiple submitters, no conflicts (2 of 4 stars). 2 submissions from 2 submitters: Uncertain significance (2). Last evaluated 2025-04-20.

Conditions:
Inborn genetic diseases. Identifiers: MedGen C0950123, MeSH D030342.

Submissions (2):

Ambry Genetics
Classification: Uncertain significance for Inborn genetic diseases. Last evaluated: 2025-04-20. Review status: criteria provided, single submitter. Criteria: Ambry Variant Classification Scheme 2023. Collection method: clinical testing. Allele origin: germline.

Labcorp Genetics (formerly Invitae), Labcorp
Classification: Uncertain significance. Last evaluated: 2023-07-18. Review status: criteria provided, single submitter. Criteria: Invitae Variant Classification Sherloc (09022015). Collection method: clinical testing. Allele origin: germline.
Comment: This sequence change replaces methionine, which is neutral and non-polar, with threonine, which is neutral and polar, at codon 294 of the PDE6B protein (p.Met294Thr). This variant is not present in population databases (gnomAD no frequency). This variant has not been reported in the literature in individuals affected with PDE6B-related conditions. ClinVar contains an entry for this variant (Variation ID: 1369681). Advanced modeling of protein sequence and biophysical properties (such as structural, functional, and spatial information, amino acid conservation, physicochemical variation, residue mobility, and thermodynamic stability) performed at Invitae indicates that this missense variant is not expected to disrupt PDE6B protein function. In summary, the available evidence is currently insufficient to determine the role of this variant in disease. Therefore, it has been classified as a Variant of Uncertain Significance.

NM_000283.4(PDE6B):c.881T>C (p.Met294Thr)

Genes: PDE6B (phosphodiesterase 6B; plus strand), PDE6B-AS1 (PDE6B antisense RNA 1; minus strand). Cytogenetic location: 4p16.3.
Variant type: single nucleotide variant.
Coding change: c.881T>C on transcript NM_000283.4 (MANE Select); coding-DNA position 881, T replaced by C.
Protein change: p.Met294Thr; replaces methionine 294 with threonine.
Molecular consequence: missense variant. On other transcripts: 5 prime UTR variant (1).
Genome position (GRCh38, 1-based): chr4:654,108, T>C. VCF-style: chr4-654108-T-C. GRCh37 (hg19) VCF-style: chr4-647897-T-C.
Other names: c.881T>C, p.Met294Thr (NM_001145291.2); c.44T>C, p.Met15Thr (NM_001145292.2, NM_001350154.3, NM_001379246.1 and 1 more transcripts); c.-160T>C (NM_001350155.3); c.881T>C (NM_000283.3); short protein forms M294T, M15T.
Identifiers: ClinVar variation 1369681 (VCV001369681.7), dbSNP rs2109193857, ClinGen allele CA355911774.